The following is an entry in ClinVar:

NM_001394062.1(MACF1):c.1648A>G (p.Lys550Glu)

Gene: MACF1 (microtubule actin crosslinking factor 1; plus strand). Cytogenetic location: 1p34.3.
Variant type: single nucleotide variant.
Coding change: c.1648A>G on transcript NM_001394062.1 (MANE Select); coding-DNA position 1648, A replaced by G.
Protein change: p.Lys550Glu; replaces lysine 550 with glutamic acid.
Molecular consequence: missense variant.
Genome position (GRCh38, 1-based): chr1:39,287,425, A>G. VCF-style: chr1-39287425-A-G. GRCh37 (hg19) VCF-style: chr1-39753097-A-G.
Other names: c.1663A>G, p.Lys555Glu (NM_012090.5); short protein forms K550E, K555E.
Identifiers: ClinVar variation 3347033 (VCV003347033.1).
Genomic context (GRCh38, chr1:39,287,425, plus strand): 5'-CTTGAATTGGTTCCACCCTCTACTTTAACCACCACTCATCTGAAAGCAGAACCCTTAACC[A>G]AGGCAACCCATTCTTCTTCTACCTCCTGGTTCCGAAAGCCTATGACTCGGGCTGAACTTG-3'
Protein context (NP_001380991.1, residues 540-560): TTHLKAEPLT[Lys550Glu]ATHSSSTSWF

ClinVar aggregate classification (germline): Uncertain significance (0 of 4 stars; one submission).

Conditions:
MACF1-related disorder. Also called: MACF1-related condition.

Submission:

PreventionGenetics, part of Exact Sciences
Classification: Uncertain significance for MACF1-related condition. Last evaluated: 2024-08-12. Review status: no assertion criteria provided. Collection method: clinical testing. Allele origin: germline.
Comment: The MACF1 c.1663A>G variant is predicted to result in the amino acid substitution p.Lys555Glu. To our knowledge, this variant has not been reported in the literature or in a large population database, indicating this variant is rare. At this time, the clinical significance of this variant is uncertain due to the absence of conclusive functional and genetic evidence.